The following is an entry in ClinVar:

ClinVar aggregate classification (germline): Benign/Likely benign. Review status: criteria provided, multiple submitters, no conflicts (2 of 4 stars). 8 submissions from 8 submitters: Benign (5); Likely benign (2). 1 of the submissions does not count toward it. Last evaluated 2026-07-01.

Conditions:
LPIN2-related disorder. Also called: LPIN2-related condition.
Autoinflammatory syndrome. Identifiers: Orphanet 93665, MedGen C3890737, MONDO:0019751.
Majeed syndrome (MJDS). Also called: LPIN2-Related Majeed Syndrome; CHRONIC RECURRENT MULTIFOCAL OSTEOMYELITIS 1, WITH CONGENITAL DYSERYTHROPOIETIC ANEMIA, WITH OR WITHOUT NEUTROPHILIC DERMATOSIS. Identifiers: Orphanet 77297, MedGen C1864997, MONDO:0012316, OMIM 609628.

Allele frequency attached by ClinVar (database versions not stated): gnomAD 0.00006 and 0.00119; ESP Exome Variant Server 0.00008; TOPMed 0.00020; gnomAD exomes 0.00375; ExAC 0.00431; 1000 Genomes Project 30x 0.00781; 1000 Genomes Project 0.00839.
gnomAD v4.1: 2,834 of 1,609,308 alleles (0.18%); highest among the groups gnomAD compares: South Asian, 3%; 59 homozygotes.

Submissions (8):

CeGaT Center for Human Genetics Tuebingen
Classification: Benign. Last evaluated: 2026-07-01. Review status: criteria provided, single submitter. Criteria: CeGaT Center For Human Genetics Tuebingen Variant Classification Criteria Version 2. Collection method: clinical testing. Allele origin: germline. Affected: yes. Observed: 3 variant alleles.
Comment: LPIN2: BS1, BS2

Labcorp Genetics (formerly Invitae), Labcorp
Classification: Benign for Majeed syndrome. Last evaluated: 2026-01-25. Review status: criteria provided, single submitter. Criteria: Invitae Variant Classification Sherloc (09022015). Collection method: clinical testing. Allele origin: germline.

Women's Health and Genetics/Laboratory Corporation of America, LabCorp
Classification: Likely benign. Last evaluated: 2025-03-03. Review status: criteria provided, single submitter. Criteria: LabCorp Variant Classification Summary - May 2015. Collection method: clinical testing. Allele origin: germline.

ARUP Laboratories, Molecular Genetics and Genomics, ARUP Laboratories
Classification: Likely benign for Majeed syndrome. Last evaluated: 2024-05-14. Review status: criteria provided, single submitter. Criteria: ARUP Molecular Germline Variant Investigation Process 2024. Collection method: clinical testing. Allele origin: germline.

Genome Diagnostics Laboratory, The Hospital for Sick Children
Classification: Benign for Autoinflammatory syndrome. Last evaluated: 2022-03-04. Review status: criteria provided, single submitter. Criteria: ACMG Guidelines, 2015. Collection method: clinical testing. Allele origin: germline. Affected: yes.

GeneDx
Classification: Benign. Last evaluated: 2020-08-03. Review status: criteria provided, single submitter. Criteria: GeneDx Variant Classification Process June 2021. Collection method: clinical testing. Allele origin: germline. Affected: yes.
Comment: This variant is associated with the following publications: (PMID: 28750028, 31431992)

Illumina Laboratory Services, Illumina
Classification: Benign for Majeed syndrome. Last evaluated: 2018-01-13. Review status: criteria provided, single submitter. Criteria: ICSL Variant Classification Criteria 13 December 2019. Collection method: clinical testing. Allele origin: germline.
Comment: This variant was observed in the ICSL laboratory as part of a predisposition screen in an ostensibly healthy population. It had not been previously curated by ICSL or reported in the Human Gene Mutation Database (HGMD: prior to June 1st, 2018), and was therefore a candidate for classification through an automated scoring system. Utilizing variant allele frequency, disease prevalence and penetrance estimates, and inheritance mode, an automated score was calculated to assess if this variant is too frequent to cause the disease. Based on the score and internal cut-off values, a variant classified as benign is not then subjected to further curation. The score for this variant resulted in a classification of benign for this disease.

PreventionGenetics, part of Exact Sciences
Classification: Benign for LPIN2-related condition. Last evaluated: 2019-05-13. Review status: no assertion criteria provided. Collection method: clinical testing. Allele origin: germline. Not counted in ClinVar's aggregate classification.
Comment: This variant is classified as benign based on ACMG/AMP sequence variant interpretation guidelines (Richards et al. 2015 PMID: 25741868, with internal and published modifications).

NM_001375808.2(LPIN2):c.608C>T (p.Ser203Phe)

Gene: LPIN2 (lipin 2; minus strand). Cytogenetic location: 18p11.31.
Variant type: single nucleotide variant.
Coding change: c.608C>T on transcript NM_001375808.2 (MANE Select); coding-DNA position 608, C replaced by T.
Protein change: p.Ser203Phe; replaces serine 203 with phenylalanine.
Molecular consequence: missense variant.
Genome position (GRCh38, 1-based): chr18:2,940,695, G>A on the plus strand (C>T on the coding strand, the complement: LPIN2 is on the minus strand). VCF-style: chr18-2940695-G-A. GRCh37 (hg19) VCF-style: chr18-2940693-G-A.
Other names: c.608C>T, p.Ser203Phe (NM_001375809.1, NM_014646.2); short protein forms S203F.
Identifiers: ClinVar variation 234329 (VCV000234329.52), dbSNP rs144555528, ClinGen allele CA8873342.